The following is an entry in ClinVar:

NM_000038.6(APC):c.2817G>A (p.Lys939=)

Gene: APC (APC regulator of Wnt signaling pathway; plus strand). Cytogenetic location: 5q22.2.
Variant type: single nucleotide variant.
Coding change: c.2817G>A on transcript NM_000038.6 (MANE Select); coding-DNA position 2817, G replaced by A.
Protein change: p.Lys939=; no amino-acid change (lysine 939 retained).
Molecular consequence: synonymous variant.
Genome position (GRCh38, 1-based): chr5:112,838,411, G>A. VCF-style: chr5-112838411-G-A. GRCh37 (hg19) VCF-style: chr5-112174108-G-A.
Other names: c.2817G>A, p.Lys939= (NM_001127510.3, NM_001354895.2); c.2763G>A, p.Lys921= (NM_001127511.3); c.2871G>A, p.Lys957= (NM_001354896.2); c.2847G>A, p.Lys949= (NM_001354897.2); c.2742G>A, p.Lys914= (NM_001354898.2); c.2733G>A, p.Lys911= (NM_001354899.2); c.2694G>A, p.Lys898= (NM_001354900.2); c.2640G>A, p.Lys880= (NM_001354901.2); and 6 more.
Identifiers: ClinVar variation 1591828 (VCV001591828.10), dbSNP rs756662900, ClinGen allele CA445962916.

ClinVar aggregate classification (germline): Benign/Likely benign. Review status: criteria provided, multiple submitters, no conflicts (2 of 4 stars). 3 submissions from 3 submitters: Benign (1); Likely benign (2). Last evaluated 2026-05-01.

Conditions:
Hereditary cancer-predisposing syndrome. Also called: Hereditary Cancer Syndrome; Neoplastic Syndromes, Hereditary; Hereditary neoplastic syndrome; Tumor predisposition. Identifiers: Orphanet 140162, MedGen C0027672, MeSH D009386, MONDO:0015356.
Familial adenomatous polyposis 1 (FAP1). Also called: FAMILIAL ADENOMATOUS POLYPOSIS 1, ATTENUATED; POLYPOSIS, ADENOMATOUS INTESTINAL. Identifiers: MedGen C2713442, MONDO:0021056, OMIM 175100. Disease mechanism: loss of function.

Allele frequency attached by ClinVar (database versions not stated): gnomAD exomes below 0.00001.
gnomAD v4.1: 2 of 1,614,146 alleles (0.00012%); highest among the groups gnomAD compares: Middle Eastern, 0.033%; no homozygotes.

Submissions (3):

Ambry Genetics
Classification: Likely benign for Hereditary cancer-predisposing syndrome. Last evaluated: 2026-05-01. Review status: criteria provided, single submitter. Criteria: Ambry Variant Classification Scheme 2023. Collection method: clinical testing. Allele origin: germline.

Labcorp Genetics (formerly Invitae), Labcorp
Classification: Likely benign for Familial adenomatous polyposis 1. Last evaluated: 2025-08-17. Review status: criteria provided, single submitter. Criteria: Invitae Variant Classification Sherloc (09022015). Collection method: clinical testing. Allele origin: germline.

Myriad Genetics, Inc.
Classification: Benign for Familial adenomatous polyposis 1. Last evaluated: 2024-03-15. Review status: criteria provided, single submitter. Criteria: Myriad Autosomal Dominant, Autosomal Recessive and X-Linked Classification Criteria (2023). Collection method: clinical testing. Allele origin: unknown.
Comment: This variant is considered benign. This variant is a silent/synonymous amino acid change and it is not expected to impact splicing.